The following is an entry in ClinVar:

ClinVar aggregate classification (germline): Likely benign. Review status: criteria provided, multiple submitters, no conflicts (2 of 4 stars). 3 submissions from 3 submitters: Likely benign (2). 1 of the submissions does not count toward it. Last evaluated 2024-12-20.

Conditions:
MYH11-related disorder. Also called: MYH11-related condition.
Familial thoracic aortic aneurysm and aortic dissection (TAAD). Also called: Thoracic aortic aneurysms and dissections. Identifiers: Orphanet 91387, MedGen C4707243, MONDO:0019625.
Aortic aneurysm, familial thoracic 4 (AAT4). Also called: AORTIC ANEURYSM/AORTIC DISSECTION AND PATENT DUCTUS ARTERIOSUS. Identifiers: MedGen C1851504, MONDO:0007568, OMIM 132900.

Allele frequency attached by ClinVar (database versions not stated): ExAC 0.00001.

Submissions (3):

Labcorp Genetics (formerly Invitae), Labcorp
Classification: Likely benign for Aortic aneurysm, familial thoracic 4. Last evaluated: 2024-12-20. Review status: criteria provided, single submitter. Criteria: Invitae Variant Classification Sherloc (09022015). Collection method: clinical testing. Allele origin: germline.

Ambry Genetics
Classification: Likely benign for Familial thoracic aortic aneurysm and aortic dissection. Last evaluated: 2021-05-20. Review status: criteria provided, single submitter. Criteria: Ambry Variant Classification Scheme 2023. Collection method: clinical testing. Allele origin: germline.

PreventionGenetics, part of Exact Sciences
Classification: Likely benign for MYH11-related condition. Last evaluated: 2021-02-02. Review status: no assertion criteria provided. Collection method: clinical testing. Allele origin: germline. Not counted in ClinVar's aggregate classification.
Comment: This variant is classified as likely benign based on ACMG/AMP sequence variant interpretation guidelines (Richards et al. 2015 PMID: 25741868, with internal and published modifications).

NM_002474.3(MYH11):c.4092C>G (p.Arg1364=)

Genes: MYH11 (myosin heavy chain 11; minus strand), NDE1 (nudE neurodevelopment protein 1; plus strand). Cytogenetic location: 16p13.11.
Variant type: single nucleotide variant.
Coding change: c.4092C>G on transcript NM_002474.3 (MANE Select); coding-DNA position 4092, C replaced by G.
Protein change: p.Arg1364=; no amino-acid change (arginine 1364 retained).
Molecular consequence: synonymous variant. On other transcripts: 3 prime UTR variant (2).
Genome position (GRCh38, 1-based): chr16:15,724,671, G>C on the plus strand (C>G on the coding strand, the complement: MYH11 is on the minus strand). VCF-style: chr16-15724671-G-C. GRCh37 (hg19) VCF-style: chr16-15818528-G-C.
Other names: c.4113C>G, p.Arg1371= (NM_001040113.2, NM_001040114.2); c.4092C>G, p.Arg1364= (NM_022844.3); c.*420G>C (NM_001143979.2, NM_017668.3).
Identifiers: ClinVar variation 1737757 (VCV001737757.7), dbSNP rs779545900, ClinGen allele CA7921786.